The following is an entry in ClinVar:

NC_000016.9:g.(?_148123)_(188286_?)del

Gene: NPRL3 (NPR3 like, GATOR1 complex subunit; minus strand). Cytogenetic location: 16p13.3.
Variant type: Deletion.
Identifiers: ClinVar variation 832174 (VCV000832174.1).

ClinVar aggregate classification (germline): Pathogenic (1 of 4 stars; one submission).

Conditions:
Epilepsy, familial focal, with variable foci 3 (FFEVF3). Identifiers: MedGen C4310708, MONDO:0014925, OMIM 617118.

Submission:

Labcorp Genetics (formerly Invitae), Labcorp
Classification: Pathogenic for Epilepsy, familial focal, with variable foci 3. Last evaluated: 2019-11-05. Review status: criteria provided, single submitter. Criteria: Invitae Variant Classification Sherloc (09022015). Collection method: clinical testing. Allele origin: germline.
Comment: This variant is a gross deletion of the genomic region encompassing exons 2-9 of the NPRL3 gene, which includes the initiator codon. The 5' end of this event is unknown as it extends beyond the assayed region for this gene and therefore may encompass additional genes. The 3' boundary is likely confined to intron 9 of the NPRL3 gene. This is expected to result in an absent or disrupted protein product. This variant has not been reported in the literature in individuals with NPRL3-related conditions. Loss-of-function variants in NPRL3 are known to be pathogenic (PMID: 26285051, 26505888). For these reasons, this variant has been classified as Pathogenic.